The following is an entry in ClinVar:

NC_000005.9:g.(?_178770758)_(179263603_?)dup

Genes: ADAMTS2 (ADAM metallopeptidase with thrombospondin type 1 motif 2; minus strand), CANX (calnexin; plus strand), CBY3 (chibby family member 3; minus strand), HNRNPH1 (heterogeneous nuclear ribonucleoprotein H1; minus strand), LTC4S (leukotriene C4 synthase; plus strand) and 5 more. Cytogenetic location: 5q35.3.
Variant type: Duplication.
Identifiers: ClinVar variation 1023048 (VCV001023048.1).

ClinVar aggregate classification (germline): Uncertain significance (1 of 4 stars; one submission).

Conditions:
Frontotemporal dementia and/or amyotrophic lateral sclerosis 1 (FTDALS1). Also called: Frontotemporal dementia with motor neuron disease 1; C9orf72 Frontotemporal Dementia and/or Amyotrophic Lateral Sclerosis. Identifiers: Orphanet 275872, MedGen C5779877, MONDO:0007105, OMIM 105550.
Paget disease of bone 2, early-onset (PDB2). Also called: Paget disease of bone 2. Identifiers: MedGen C4085251, MONDO:0011183, OMIM 602080.

Submission:

Labcorp Genetics (formerly Invitae), Labcorp
Classification: Uncertain significance for Paget disease of bone 2, early-onset; Frontotemporal dementia and/or amyotrophic lateral sclerosis 1. Last evaluated: 2020-10-15. Review status: criteria provided, single submitter. Criteria: Invitae Variant Classification Sherloc (09022015). Collection method: clinical testing. Allele origin: germline.
Comment: This variant results in a copy number gain of the genomic region encompassing the full coding sequence of the SQSTM1 gene. The boundaries of this event are unknown as they extend beyond the assayed region for this gene and therefore may encompass additional genes. As the precise location of this event is unknown, it may be in tandem or it may be located elsewhere in the genome. Isolated whole-gene copy number gains of SQSTM1 have not been reported in the literature. However, larger copy number events that include this gene have been reported (PMID: 26925868). In summary, the available evidence is currently insufficient to determine the role of this variant in disease. Therefore, it has been classified as a Variant of Uncertain Significance.

Literature cited by the submitters: PubMed 26925868.